The following is an entry in ClinVar:

ClinVar aggregate classification (germline): Uncertain significance (1 of 4 stars; one submission).

Conditions:
Hereditary cancer-predisposing syndrome. Also called: Tumor predisposition; Hereditary neoplastic syndrome; Neoplastic Syndromes, Hereditary; Hereditary Cancer Syndrome. Identifiers: Orphanet 140162, MedGen C0027672, MeSH D009386, MONDO:0015356.

Submission:

Ambry Genetics
Classification: Uncertain significance for Hereditary cancer-predisposing syndrome. Last evaluated: 2025-04-18. Review status: criteria provided, single submitter. Criteria: Ambry Variant Classification Scheme 2023. Collection method: clinical testing. Allele origin: germline.
Comment: The p.T45A variant (also known as c.133A>G), located in coding exon 2 of the CDC73 gene, results from an A to G substitution at nucleotide position 133. The threonine at codon 45 is replaced by alanine, an amino acid with similar properties. This amino acid position is conserved. In addition, this alteration is predicted to be tolerated by in silico analysis. Based on the available evidence, the clinical significance of this variant remains unclear.

NM_024529.5(CDC73):c.133A>G (p.Thr45Ala)

Gene: CDC73 (cell division cycle 73; plus strand). Cytogenetic location: 1q31.2.
Variant type: single nucleotide variant.
Coding change: c.133A>G on transcript NM_024529.5 (MANE Select); coding-DNA position 133, A replaced by G.
Protein change: p.Thr45Ala; replaces threonine 45 with alanine.
Molecular consequence: missense variant.
Genome position (GRCh38, 1-based): chr1:193,125,113, A>G. VCF-style: chr1-193125113-A-G. GRCh37 (hg19) VCF-style: chr1-193094243-A-G.
Other names: short protein forms T45A.
Identifiers: ClinVar variation 3998678 (VCV003998678.1).